The following is an entry in ClinVar:

ClinVar aggregate classification (germline): Uncertain significance (1 of 4 stars; one submission).

Allele frequency attached by ClinVar (database versions not stated): TOPMed below 0.00001.
gnomAD v4.1: 17 of 1,383,014 alleles (0.0012%); highest among the groups gnomAD compares: Non-Finnish European, 0.0016%; no homozygotes.

Submission:

Labcorp Genetics (formerly Invitae), Labcorp
Classification: Uncertain significance. Last evaluated: 2022-06-29. Review status: criteria provided, single submitter. Criteria: Invitae Variant Classification Sherloc (09022015). Collection method: clinical testing. Allele origin: germline.
Comment: This sequence change replaces proline, which is neutral and non-polar, with leucine, which is neutral and non-polar, at codon 79 of the CTDP1 protein (p.Pro79Leu). This variant is not present in population databases (gnomAD no frequency). In summary, the available evidence is currently insufficient to determine the role of this variant in disease. Therefore, it has been classified as a Variant of Uncertain Significance. Algorithms developed to predict the effect of missense changes on protein structure and function are either unavailable or do not agree on the potential impact of this missense change (SIFT: "Deleterious"; PolyPhen-2: "Benign"; Align-GVGD: "Class C0"). This variant has not been reported in the literature in individuals affected with CTDP1-related conditions.

NM_004715.5(CTDP1):c.236C>T (p.Pro79Leu)

Gene: CTDP1 (CTD phosphatase subunit 1; plus strand). Cytogenetic location: 18q23.
Variant type: single nucleotide variant.
Coding change: c.236C>T on transcript NM_004715.5 (MANE Select); coding-DNA position 236, C replaced by T.
Protein change: p.Pro79Leu; replaces proline 79 with leucine.
Molecular consequence: missense variant.
Genome position (GRCh38, 1-based): chr18:79,680,183, C>T. VCF-style: chr18-79680183-C-T. GRCh37 (hg19) VCF-style: chr18-77440183-C-T.
Other names: c.236C>T, p.Pro79Leu (NM_001318511.2, NM_048368.4); short protein forms P79L.
Identifiers: ClinVar variation 2085451 (VCV002085451.4), dbSNP rs1367440102, ClinGen allele CA402825225.